The following is an entry in ClinVar:

NM_176824.3(BBS7):c.850-10A>G

Gene: BBS7 (Bardet-Biedl syndrome 7; minus strand). Cytogenetic location: 4q27.
Variant type: single nucleotide variant.
Coding change: c.850-10A>G on transcript NM_176824.3 (MANE Select); 10 bases into the intron before coding-DNA position 850, A replaced by G.
Molecular consequence: intron variant.
Genome position (GRCh38, 1-based): chr4:121,848,938, T>C on the plus strand (A>G on the coding strand, the complement: BBS7 is on the minus strand). VCF-style: chr4-121848938-T-C. GRCh37 (hg19) VCF-style: chr4-122770093-T-C.
Other names: c.850-10A>G (NM_176824.2, NM_018190.4).
Identifiers: ClinVar variation 1950642 (VCV001950642.3), dbSNP rs1296805094, ClinGen allele CA554187887.
Genomic context (GRCh38, chr4:121,848,938, plus strand): 5'-GTCTTTTCCTACACAACCACCCTGGATAGATGTGACGCTTTCAGACAACATCTAAAAAAG[T>C]TTAAGACCAAGCACTTCATTAGTAACTAAAAAATCCACAGATATATTAAAATAAGCCACA-3'

ClinVar aggregate classification (germline): Uncertain significance. Review status: criteria provided, multiple submitters, no conflicts (2 of 4 stars). 2 submissions from 2 submitters: Uncertain significance (2). Last evaluated 2025-08-11.

Conditions:
BBS7-related disorder. Also called: BBS7-related condition.
Bardet-Biedl syndrome (BBS). Identifiers: Orphanet 110, MedGen C0752166, MONDO:0015229.

Allele frequency attached by ClinVar (database versions not stated): TOPMed below 0.00001; gnomAD exomes 0.00001.
gnomAD v4.1: 3 of 1,611,496 alleles (0.00019%); highest among the groups gnomAD compares: Admixed American, 0.005%; no homozygotes.

Submissions (2):

PreventionGenetics, part of Exact Sciences
Classification: Uncertain significance for BBS7-related condition. Last evaluated: 2025-08-11. Review status: criteria provided, single submitter. Criteria: ACMG Guidelines, 2015. Collection method: clinical testing. Allele origin: germline.
Comment: The BBS7 c.850-10A>G variant is predicted to interfere with splicing. This variant is predicted to alter splicing based on available splicing prediction programs (SpliceAI, Jaganathan et al. 2019. PubMed ID: 30661751), however, the use of computer prediction programs is not equivalent to functional evidence. To our knowledge, this variant has not been reported in the literature. This variant is reported in 0.0029% of alleles in individuals of Latino descent in gnomAD. At this time, the clinical significance of this variant is uncertain due to the absence of conclusive functional and genetic evidence.

Labcorp Genetics (formerly Invitae), Labcorp
Classification: Uncertain significance for Bardet-Biedl syndrome. Last evaluated: 2022-07-23. Review status: criteria provided, single submitter. Criteria: Invitae Variant Classification Sherloc (09022015). Collection method: clinical testing. Allele origin: germline.
Comment: This sequence change falls in intron 8 of the BBS7 gene. It does not directly change the encoded amino acid sequence of the BBS7 protein. This variant is present in population databases (no rsID available, gnomAD 0.003%). This variant has been observed in individual(s) with clinical features of Bardet-Biedl syndrome (Invitae). Algorithms developed to predict the effect of sequence changes on RNA splicing suggest that this variant may disrupt the consensus splice site. In summary, the available evidence is currently insufficient to determine the role of this variant in disease. Therefore, it has been classified as a Variant of Uncertain Significance.